The following is an entry in ClinVar:

NM_000057.4(BLM):c.4162G>A (p.Ala1388Thr)

Gene: BLM (BLM RecQ like helicase; plus strand). Cytogenetic location: 15q26.1.
Variant type: single nucleotide variant.
Coding change: c.4162G>A on transcript NM_000057.4 (MANE Select); coding-DNA position 4162, G replaced by A.
Protein change: p.Ala1388Thr; replaces alanine 1388 with threonine.
Molecular consequence: missense variant.
Genome position (GRCh38, 1-based): chr15:90,815,187, G>A. VCF-style: chr15-90815187-G-A. GRCh37 (hg19) VCF-style: chr15-91358417-G-A.
Other names: c.4162G>A, p.Ala1388Thr (NM_001287246.2); c.3769G>A, p.Ala1257Thr (NM_001287247.2); c.3037G>A, p.Ala1013Thr (NM_001287248.2); c.4162G>A (NM_000057.3); short protein forms A1013T, A1388T, A1257T.
Identifiers: ClinVar variation 1437517 (VCV001437517.11), dbSNP rs1567068979, ClinGen allele CA393852406.
Genomic context (GRCh38, chr15:90,815,187, plus strand): 5'-TCTTCCAAAACGAAATCCTCCAGCATCATTGGATCCAGTTCAGCCTCACATACTTCTCAA[G>A]CGACATCAGGAGCCAATAGCAAATTGGGGATTATGGCTCCACCGAAGCCTATAAATAGAC-3'
Protein context (NP_000048.1, residues 1378-1398): GSSSASHTSQ[Ala1388Thr]TSGANSKLGI

ClinVar aggregate classification (germline): Uncertain significance. Review status: criteria provided, multiple submitters, no conflicts (2 of 4 stars). 2 submissions from 2 submitters: Uncertain significance (2). Last evaluated 2024-09-12.

Conditions:
Bloom syndrome (BLM). Also called: Bloom-Torre-Machacek syndrome. Identifiers: Orphanet 125, MedGen C0005859, MONDO:0008876, OMIM 210900.

Submissions (2):

Quest Diagnostics Nichols Institute San Juan Capistrano
Classification: Uncertain significance. Last evaluated: 2024-09-12. Review status: criteria provided, single submitter. Criteria: Quest Diagnostics criteria. Collection method: clinical testing. Allele origin: unknown.
Comment: The BLM c.4162G>A (p.Ala1388Thr) variant has not been reported in individuals with BLM-related conditions in the published literature. It also has not been reported in large, multi-ethnic general populations (Genome Aggregation Database). Analysis of this variant using bioinformatics tools for the prediction of the effect of amino acid changes on protein structure and function yielded predictions that this variant is benign. Based on the available information, we are unable to determine the clinical significance of this variant.

Labcorp Genetics (formerly Invitae), Labcorp
Classification: Uncertain significance for Bloom syndrome. Last evaluated: 2022-08-10. Review status: criteria provided, single submitter. Criteria: Invitae Variant Classification Sherloc (09022015). Collection method: clinical testing. Allele origin: germline.
Comment: ClinVar contains an entry for this variant (Variation ID: 1437517). In summary, the available evidence is currently insufficient to determine the role of this variant in disease. Therefore, it has been classified as a Variant of Uncertain Significance. Algorithms developed to predict the effect of missense changes on protein structure and function output the following: SIFT: "Tolerated"; PolyPhen-2: "Benign"; Align-GVGD: "Class C0". The threonine amino acid residue is found in multiple mammalian species, which suggests that this missense change does not adversely affect protein function. This variant has not been reported in the literature in individuals affected with BLM-related conditions. This variant is not present in population databases (gnomAD no frequency). This sequence change replaces alanine, which is neutral and non-polar, with threonine, which is neutral and polar, at codon 1388 of the BLM protein (p.Ala1388Thr).